The following is an entry in ClinVar:

ClinVar aggregate classification (germline): Uncertain significance (1 of 4 stars; one submission).

Conditions:
Vitamin B2 deficiency. Identifiers: MedGen C0035528.

Allele frequency attached by ClinVar (database versions not stated): ExAC 0.00001.
gnomAD v4.1: 17 of 1,613,612 alleles (0.0011%); highest among the groups gnomAD compares: Non-Finnish European, 0.0014%; no homozygotes.

Submission:

Labcorp Genetics (formerly Invitae), Labcorp
Classification: Uncertain significance for Vitamin B2 deficiency. Last evaluated: 2023-06-02. Review status: criteria provided, single submitter. Criteria: Invitae Variant Classification Sherloc (09022015). Collection method: clinical testing. Allele origin: germline.
Comment: In summary, the available evidence is currently insufficient to determine the role of this variant in disease. Therefore, it has been classified as a Variant of Uncertain Significance. Advanced modeling of protein sequence and biophysical properties (such as structural, functional, and spatial information, amino acid conservation, physicochemical variation, residue mobility, and thermodynamic stability) performed at Invitae indicates that this missense variant is not expected to disrupt SLC52A1 protein function. This variant has not been reported in the literature in individuals affected with SLC52A1-related conditions. This variant is present in population databases (rs749137629, gnomAD 0.004%). This sequence change replaces glycine, which is neutral and non-polar, with serine, which is neutral and polar, at codon 404 of the SLC52A1 protein (p.Gly404Ser).

NM_017986.4(SLC52A1):c.1210G>A (p.Gly404Ser)

Gene: SLC52A1 (solute carrier family 52 member 1; minus strand). Cytogenetic location: 17p13.2.
Variant type: single nucleotide variant.
Coding change: c.1210G>A on transcript NM_017986.4 (MANE Select); coding-DNA position 1210, G replaced by A.
Protein change: p.Gly404Ser; replaces glycine 404 with serine.
Molecular consequence: missense variant.
Genome position (GRCh38, 1-based): chr17:5,033,094, C>T on the plus strand (G>A on the coding strand, the complement: SLC52A1 is on the minus strand). VCF-style: chr17-5033094-C-T. GRCh37 (hg19) VCF-style: chr17-4936389-C-T.
Other names: c.1210G>A, p.Gly404Ser (NM_001104577.2); short protein forms G404S.
Identifiers: ClinVar variation 3014197 (VCV003014197.2), dbSNP rs749137629, ClinGen allele CA8319596.